The following is an entry in ClinVar:

ClinVar aggregate classification (germline): Uncertain significance. Review status: criteria provided, multiple submitters, no conflicts (2 of 4 stars). 2 submissions from 2 submitters: Uncertain significance (2). Last evaluated 2023-06-03.

Conditions:
Arrhythmogenic right ventricular dysplasia 13. Also called: ARRHYTHMOGENIC RIGHT VENTRICULAR CARDIOMYOPATHY 13; Arrhythmogenic right ventricular dysplasia, familial, 13. Identifiers: MedGen C3810138, MONDO:0000908, OMIM 615616.

Allele frequency attached by ClinVar (database versions not stated): gnomAD 0.00001; gnomAD exomes 0.00001 and 0.00002; ExAC 0.00003.
gnomAD v4.1: 17 of 1,611,776 alleles (0.0011%); highest among the groups gnomAD compares: South Asian, 0.017%; no homozygotes.

Submissions (2):

Ambry Genetics
Classification: Uncertain significance. Last evaluated: 2023-06-03. Review status: criteria provided, single submitter. Criteria: Ambry Variant Classification Scheme 2023. Collection method: clinical testing. Allele origin: germline.
Comment: The p.N365S variant (also known as c.1094A>G), located in coding exon 7 of the CTNNA3 gene, results from an A to G substitution at nucleotide position 1094. The asparagine at codon 365 is replaced by serine, an amino acid with highly similar properties. This amino acid position is conserved. In addition, this alteration is predicted to be tolerated by in silico analysis. Since supporting evidence is limited at this time, the clinical significance of this alteration remains unclear.

Labcorp Genetics (formerly Invitae), Labcorp
Classification: Uncertain significance for Arrhythmogenic right ventricular dysplasia 13. Last evaluated: 2021-04-21. Review status: criteria provided, single submitter. Criteria: Invitae Variant Classification Sherloc (09022015). Collection method: clinical testing. Allele origin: germline.
Comment: In summary, the available evidence is currently insufficient to determine the role of this variant in disease. Therefore, it has been classified as a Variant of Uncertain Significance. Algorithms developed to predict the effect of missense changes on protein structure and function are either unavailable or do not agree on the potential impact of this missense change (SIFT: "Tolerated"; PolyPhen-2: "Possibly Damaging"; Align-GVGD: "Class C0"). This variant has not been reported in the literature in individuals with CTNNA3-related conditions. This variant is present in population databases (rs764419738, ExAC 0.02%). This sequence change replaces asparagine with serine at codon 365 of the CTNNA3 protein (p.Asn365Ser). The asparagine residue is weakly conserved and there is a small physicochemical difference between asparagine and serine.

NM_013266.4(CTNNA3):c.1094A>G (p.Asn365Ser)

Gene: CTNNA3 (catenin alpha 3; minus strand). Cytogenetic location: 10q21.3.
Variant type: single nucleotide variant.
Coding change: c.1094A>G on transcript NM_013266.4 (MANE Select); coding-DNA position 1094, A replaced by G.
Protein change: p.Asn365Ser; replaces asparagine 365 with serine.
Molecular consequence: missense variant.
Genome position (GRCh38, 1-based): chr10:66,775,478, T>C on the plus strand (A>G on the coding strand, the complement: CTNNA3 is on the minus strand). VCF-style: chr10-66775478-T-C. GRCh37 (hg19) VCF-style: chr10-68535236-T-C.
Other names: c.1094A>G, p.Asn365Ser (NM_001127384.3); c.1094A>G (NM_013266.2); short protein forms N365S.
Identifiers: ClinVar variation 1404226 (VCV001404226.9), dbSNP rs764419738, ClinGen allele CA5520072.